The following is an entry in ClinVar:

ClinVar aggregate classification (germline): Uncertain significance (1 of 4 stars; one submission).

Conditions:
Cardiovascular phenotype. Identifiers: MedGen CN230736.

Allele frequency attached by ClinVar (database versions not stated): gnomAD 0.00001.
gnomAD v4.1: 2 of 1,599,988 alleles (0.00013%); highest among the groups gnomAD compares: African/African-American, 0.0027%; no homozygotes.

Submission:

Ambry Genetics
Classification: Uncertain significance for Cardiovascular phenotype. Last evaluated: 2022-04-25. Review status: criteria provided, single submitter. Criteria: Ambry Variant Classification Scheme 2023. Collection method: clinical testing. Allele origin: germline.
Comment: The p.I216V variant (also known as c.646A>G), located in coding exon 5 of the SOS1 gene, results from an A to G substitution at nucleotide position 646. The isoleucine at codon 216 is replaced by valine, an amino acid with highly similar properties. This amino acid position is conserved. In addition, this alteration is predicted to be tolerated by in silico analysis. Since supporting evidence is limited at this time, the clinical significance of this alteration remains unclear.

NM_005633.4(SOS1):c.646A>G (p.Ile216Val)

Gene: SOS1 (SOS Ras/Rac guanine nucleotide exchange factor 1; minus strand). Cytogenetic location: 2p22.1.
Variant type: single nucleotide variant.
Coding change: c.646A>G on transcript NM_005633.4 (MANE Select); coding-DNA position 646, A replaced by G.
Protein change: p.Ile216Val; replaces isoleucine 216 with valine.
Molecular consequence: missense variant.
Genome position (GRCh38, 1-based): chr2:39,054,688, T>C on the plus strand (A>G on the coding strand, the complement: SOS1 is on the minus strand). VCF-style: chr2-39054688-T-C. GRCh37 (hg19) VCF-style: chr2-39281829-T-C.
Other names: c.625A>G, p.Ile209Val (NM_001382394.1); c.646A>G, p.Ile216Val (NM_001382395.1); short protein forms I216V, I209V.
Identifiers: ClinVar variation 1753696 (VCV001753696.2), dbSNP rs752994841, ClinGen allele CA346373063.